The following is an entry in ClinVar:

NM_001161.5(NUDT2):c.237A>G (p.Glu79=)

Gene: NUDT2 (nudix hydrolase 2; plus strand). Cytogenetic location: 9p13.3.
Variant type: single nucleotide variant.
Coding change: c.237A>G on transcript NM_001161.5 (MANE Select); coding-DNA position 237, A replaced by G.
Protein change: p.Glu79=; no amino-acid change (glutamic acid 79 retained).
Molecular consequence: synonymous variant.
Genome position (GRCh38, 1-based): chr9:34,343,233, A>G. VCF-style: chr9-34343233-A-G. GRCh37 (hg19) VCF-style: chr9-34343231-A-G.
Other names: c.237A>G, p.Glu79= (NM_001244390.2, NM_147172.3, NM_147173.3).
Identifiers: ClinVar variation 3905732 (VCV003905732.10).
Genomic context (GRCh38, chr9:34,343,233, plus strand): 5'-CCAAGAGGAAGCAGGCATAGAAGCAGGCCAGCTGACCATTATTGAGGGGTTCAAAAGGGA[A>G]CTCAATTATGTGGCCAGGAACAAGCCTAAAACAGTCATTTACTGGCTGGCGGAGGTGAAG-3'
Protein context (NP_001152.1, residues 69-89): QLTIIEGFKR[Glu79=]LNYVARNKPK

ClinVar aggregate classification (germline): Likely benign (1 of 4 stars; one submission).

gnomAD v4.1: 3 of 1,581,774 alleles (0.00019%); highest among the groups gnomAD compares: East Asian, 0.0045%; no homozygotes.

Submission:

CeGaT Center for Human Genetics Tuebingen
Classification: Likely benign. Last evaluated: 2025-06-01. Review status: criteria provided, single submitter. Criteria: CeGaT Center For Human Genetics Tuebingen Variant Classification Criteria Version 2. Collection method: clinical testing. Allele origin: germline. Affected: yes. Observed: 1 variant allele.
Comment: NUDT2: BP4, BP7